The following is an entry in ClinVar:

ClinVar aggregate classification (germline): Uncertain significance (1 of 4 stars; one submission).

Conditions:
Inborn genetic diseases. Identifiers: MedGen C0950123, MeSH D030342.

Submission:

Ambry Genetics
Classification: Uncertain significance for Inborn genetic diseases. Last evaluated: 2021-12-10. Review status: criteria provided, single submitter. Criteria: Ambry Variant Classification Scheme 2023. Collection method: clinical testing. Allele origin: germline.
Comment: The p.A598D variant (also known as c.1793C>A), located in coding exon 11 of the PIK3CA gene, results from a C to A substitution at nucleotide position 1793. The alanine at codon 598 is replaced by aspartic acid, an amino acid with dissimilar properties. This amino acid position is conserved. In addition, this alteration is predicted to be deleterious by in silico analysis. Since supporting evidence is limited at this time, the clinical significance of this alteration remains unclear.

NM_006218.4(PIK3CA):c.1793C>A (p.Ala598Asp)

Gene: PIK3CA (phosphatidylinositol-4,5-bisphosphate 3-kinase catalytic subunit alpha; plus strand). Cytogenetic location: 3q26.32.
Variant type: single nucleotide variant.
Coding change: c.1793C>A on transcript NM_006218.4 (MANE Select); coding-DNA position 1793, C replaced by A.
Protein change: p.Ala598Asp; replaces alanine 598 with aspartic acid.
Molecular consequence: missense variant.
Genome position (GRCh38, 1-based): chr3:179,219,617, C>A. VCF-style: chr3-179219617-C-A. GRCh37 (hg19) VCF-style: chr3-178937405-C-A.
Other names: short protein forms A598D.
Identifiers: ClinVar variation 1780219 (VCV001780219.2), dbSNP rs2108410787, ClinGen allele CA355266107.